The following is an entry in ClinVar:

NM_024589.3(ROGDI):c.836C>G (p.Ser279Cys)

Gene: ROGDI (rogdi atypical leucine zipper; minus strand). Cytogenetic location: 16p13.3.
Variant type: single nucleotide variant.
Coding change: c.836C>G on transcript NM_024589.3 (MANE Select); coding-DNA position 836, C replaced by G.
Protein change: p.Ser279Cys; replaces serine 279 with cysteine.
Molecular consequence: missense variant. On other transcripts: non-coding transcript variant (1).
Genome position (GRCh38, 1-based): chr16:4,797,488, G>C on the plus strand (C>G on the coding strand, the complement: ROGDI is on the minus strand). VCF-style: chr16-4797488-G-C. GRCh37 (hg19) VCF-style: chr16-4847489-G-C.
Other names: short protein forms S279C.
Identifiers: ClinVar variation 1519710 (VCV001519710.6), dbSNP rs765616394, ClinGen allele CA7882419.

ClinVar aggregate classification (germline): Uncertain significance (1 of 4 stars; one submission).

Conditions:
Amelocerebrohypohidrotic syndrome (KTZS). Also called: KOHLSCHUTTER SYNDROME; EPILEPSY AND YELLOW TEETH; EPILEPSY, DEMENTIA, AND AMELOGENESIS IMPERFECTA; Kohlschutter's syndrome. Identifiers: Orphanet 1946, MedGen C0406740, MONDO:0009185, OMIM 226750.

Allele frequency attached by ClinVar (database versions not stated): gnomAD exomes 0.00002 and 0.00012; gnomAD 0.00003 and 0.00004; ExAC 0.00009.
gnomAD v4.1: 30 of 1,613,352 alleles (0.0019%); highest among the groups gnomAD compares: East Asian, 0.056%; no homozygotes.

Submission:

Labcorp Genetics (formerly Invitae), Labcorp
Classification: Uncertain significance for Amelocerebrohypohidrotic syndrome. Last evaluated: 2022-11-01. Review status: criteria provided, single submitter. Criteria: Invitae Variant Classification Sherloc (09022015). Collection method: clinical testing. Allele origin: germline.
Comment: In summary, the available evidence is currently insufficient to determine the role of this variant in disease. Therefore, it has been classified as a Variant of Uncertain Significance. Algorithms developed to predict the effect of missense changes on protein structure and function are either unavailable or do not agree on the potential impact of this missense change (SIFT: "Deleterious"; PolyPhen-2: "Possibly Damaging"; Align-GVGD: "Class C15"). ClinVar contains an entry for this variant (Variation ID: 1519710). This variant has not been reported in the literature in individuals affected with ROGDI-related conditions. This variant is present in population databases (rs765616394, gnomAD 0.2%). This sequence change replaces serine, which is neutral and polar, with cysteine, which is neutral and slightly polar, at codon 279 of the ROGDI protein (p.Ser279Cys).